The following is an entry in ClinVar:

NM_004070.4(CLCNKA):c.23G>A (p.Arg8His)

Gene: CLCNKA (chloride voltage-gated channel Ka; plus strand). Cytogenetic location: 1p36.13.
Variant type: single nucleotide variant.
Coding change: c.23G>A on transcript NM_004070.4 (MANE Select); coding-DNA position 23, G replaced by A.
Protein change: p.Arg8His; replaces arginine 8 with histidine.
Molecular consequence: missense variant.
Genome position (GRCh38, 1-based): chr1:16,022,642, G>A. VCF-style: chr1-16022642-G-A. GRCh37 (hg19) VCF-style: chr1-16349137-G-A.
Other names: p.Arg8His; c.23G>A, p.Arg8His (NM_001042704.2, NM_001257139.2); short protein forms R8H.
Identifiers: ClinVar variation 1220926 (VCV001220926.6), dbSNP rs9442189, ClinGen allele CA622060.

ClinVar aggregate classification (germline): Benign/Likely benign. Review status: criteria provided, multiple submitters, no conflicts (2 of 4 stars). 4 submissions from 4 submitters: Benign (3); Likely benign (1). Last evaluated 2024-11-26.

Allele frequency attached by ClinVar (database versions not stated): 1000 Genomes Project 0.01218; 1000 Genomes Project 30x 0.01249; gnomAD 0.01361 and 0.01443; TOPMed 0.01394; ESP Exome Variant Server 0.01496; gnomAD exomes 0.01582 and 0.02033; ExAC 0.03834.
gnomAD v4.1: 30,866 of 1,566,692 alleles (2%); highest among the groups gnomAD compares: Middle Eastern, 3.1%; 397 homozygotes.

Submissions (4):

Blueprint Genetics
Classification: Likely benign. Last evaluated: 2024-11-26. Review status: criteria provided, single submitter. Criteria: ACMG Guidelines, 2015. Collection method: clinical testing. Allele origin: germline.

Mayo Clinic Laboratories, Mayo Clinic
Classification: Benign. Last evaluated: 2023-09-19. Review status: criteria provided, single submitter. Criteria: ACMG Guidelines, 2015. Collection method: clinical testing. Allele origin: germline. Observed: 9 variant alleles.
Comment: BS1, BS2, BP4_strong

GeneDx
Classification: Benign. Last evaluated: 2021-04-07. Review status: criteria provided, single submitter. Criteria: GeneDx Variant Classification Process June 2021. Collection method: clinical testing. Allele origin: germline. Affected: yes.

Breakthrough Genomics
Classification: Benign. Review status: criteria provided, single submitter. Criteria: ACMG Guidelines, 2015. Collection method: not provided. Allele origin: germline. Inheritance: Autosomal recessive inheritance. Affected: yes.